The following is an entry in ClinVar:

ClinVar aggregate classification (germline): Uncertain significance (1 of 4 stars; one submission).

Conditions:
Primary ciliary dyskinesia 27. Also called: CILIARY DYSKINESIA, PRIMARY, 27, WITHOUT SITUS INVERSUS. Identifiers: Orphanet 244, MedGen C3809701, MONDO:0014215, OMIM 615504.

Submission:

Labcorp Genetics (formerly Invitae), Labcorp
Classification: Uncertain significance for Primary ciliary dyskinesia 27. Last evaluated: 2020-12-12. Review status: criteria provided, single submitter. Criteria: Invitae Variant Classification Sherloc (09022015). Collection method: clinical testing. Allele origin: germline.
Comment: In summary, the available evidence is currently insufficient to determine the role of this variant in disease. Therefore, it has been classified as a Variant of Uncertain Significance. Experimental studies and prediction algorithms are not available or were not evaluated, and the functional significance of this variant is currently unknown. This variant has not been reported in the literature in individuals with CCDC65-related conditions. This variant is not present in population databases (ExAC no frequency). This variant, c.660_662del, results in the deletion of 1 amino acid(s) of the CCDC65 protein (p.Glu220del), but otherwise preserves the integrity of the reading frame.

NM_033124.5(DRC2):c.657AGA[1] (p.Glu220del)

Gene: DRC2 (dynein regulatory complex subunit 2; plus strand). Cytogenetic location: 12q13.12.
Variant type: Microsatellite.
Coding change: c.657AGA[1] on transcript NM_033124.5 (MANE Select); one copy of the 3-base unit AGA starting at c.657; the reference has two copies in a row; one copy, 3 bases deleted.
Protein change: p.Glu220del; deletes glutamic acid 220.
Molecular consequence: inframe deletion.
Genome position (GRCh38, 1-based): chr12:48,918,325-48,918,327, AGA deleted; deleting any 3 consecutive bases within chr12:48,918,322-48,918,327 gives the same sequence; the position shown is the placement nearest the transcript's 3' end. VCF-style (leftmost placement, unchanged base first): chr12-48918321-TAGA-T. GRCh37 (hg19) VCF-style: chr12-49312104-TAGA-T.
Other names: c.228AGA[1], p.Glu77del (NM_001286957.2); short protein forms E77del, E220del.
Identifiers: ClinVar variation 1493309 (VCV001493309.8), dbSNP rs2137545852, ClinGen allele CA2580615178.